The following is an entry in ClinVar:

NM_005751.5(AKAP9):c.5252G>A (p.Arg1751His)

Gene: AKAP9 (A-kinase anchoring protein 9; plus strand). Cytogenetic location: 7q21.2.
Variant type: single nucleotide variant.
Coding change: c.5252G>A on transcript NM_005751.5 (MANE Select); coding-DNA position 5252, G replaced by A.
Protein change: p.Arg1751His; replaces arginine 1751 with histidine.
Molecular consequence: missense variant.
Genome position (GRCh38, 1-based): chr7:92,045,097, G>A. VCF-style: chr7-92045097-G-A. GRCh37 (hg19) VCF-style: chr7-91674411-G-A.
Other names: c.5252G>A, p.Arg1751His (NM_147185.3); short protein forms R1751H.
Identifiers: ClinVar variation 2202273 (VCV002202273.8), dbSNP rs767106255, ClinGen allele CA4336759.
Genomic context (GRCh38, chr7:92,045,097, plus strand): 5'-TTTTGAAGATCCTCTTAGAAGTTGTAAAGACAACAGCAGCTGTTGAAGAAACAATTGGTC[G>A]CCATGTCCTTGGGATTCTAGATAGATCTAGTAAAAGCCAGTCATCTGCCAGCCTAATTTG-3'
Protein context (NP_005742.4, residues 1741-1761): TTAAVEETIG[Arg1751His]HVLGILDRSS

ClinVar aggregate classification (germline): Uncertain significance. Review status: criteria provided, multiple submitters, no conflicts (2 of 4 stars). 2 submissions from 2 submitters: Uncertain significance (2). Last evaluated 2025-08-28.

Conditions:
Long QT syndrome (LQTS). Identifiers: MedGen C0023976, MeSH D008133, MONDO:0002442. Disease mechanism: loss of function. Inheritance: Various modes of inheritance.
Cardiovascular phenotype. Identifiers: MedGen CN230736.

Allele frequency attached by ClinVar (database versions not stated): gnomAD 0.00001; gnomAD exomes 0.00001; ExAC 0.00002.
gnomAD v4.1: 8 of 1,613,256 alleles (0.0005%); highest among the groups gnomAD compares: Admixed American, 0.0017%; no homozygotes.

Submissions (2):

Ambry Genetics
Classification: Uncertain significance for Cardiovascular phenotype. Last evaluated: 2025-08-28. Review status: criteria provided, single submitter. Criteria: Ambry Variant Classification Scheme 2023. Collection method: clinical testing. Allele origin: germline.

Labcorp Genetics (formerly Invitae), Labcorp
Classification: Uncertain significance for Long QT syndrome. Last evaluated: 2025-02-06. Review status: criteria provided, single submitter. Criteria: Invitae Variant Classification Sherloc (09022015). Collection method: clinical testing. Allele origin: germline.
Comment: This sequence change replaces arginine, which is basic and polar, with histidine, which is basic and polar, at codon 1751 of the AKAP9 protein (p.Arg1751His). This variant is present in population databases (rs767106255, gnomAD 0.003%). This variant has not been reported in the literature in individuals affected with AKAP9-related conditions. ClinVar contains an entry for this variant (Variation ID: 2202273). An algorithm developed to predict the effect of missense changes on protein structure and function (PolyPhen-2) suggests that this variant is likely to be disruptive. In summary, the available evidence is currently insufficient to determine the role of this variant in disease. Therefore, it has been classified as a Variant of Uncertain Significance.